The following is an entry in ClinVar:

NM_206933.4(USH2A):c.2256T>C (p.His752=)

Gene: USH2A (usherin; minus strand). Cytogenetic location: 1q41.
Variant type: single nucleotide variant.
Coding change: c.2256T>C on transcript NM_206933.4 (MANE Select); coding-DNA position 2256, T replaced by C.
Protein change: p.His752=; no amino-acid change (histidine 752 retained).
Molecular consequence: synonymous variant.
Genome position (GRCh38, 1-based): chr1:216,247,138, A>G on the plus strand (T>C on the coding strand, the complement: USH2A is on the minus strand). VCF-style: chr1-216247138-A-G. GRCh37 (hg19) VCF-style: chr1-216420480-A-G.
Other names: c.2256T>C, p.His752= (NM_007123.6).
Identifiers: ClinVar variation 48486 (VCV000048486.79), dbSNP rs111033281, ClinGen allele CA143440.

ClinVar aggregate classification (germline): Benign/Likely benign. Review status: criteria provided, multiple submitters, no conflicts (2 of 4 stars). 18 submissions from 16 submitters: Benign (1); Likely benign (12). 5 of the submissions do not count toward it. Last evaluated 2026-08-01.

Conditions:
USH2A-related disorder. Also called: USH2A-related disorders; USH2A-related condition. Identifiers: MedGen CN239332.
Usher syndrome type 2A. Also called: RETINAL DISEASE IN USHER SYNDROME TYPE IIA, MODIFIER OF; USHER SYNDROME, TYPE IIA. Identifiers: Orphanet 231178, Orphanet 886, MedGen C1848634, MONDO:0010169, OMIM 276901.
Retinitis pigmentosa 39 (RP39). Identifiers: Orphanet 791, MedGen C3151138, MONDO:0013436, OMIM 613809.
Retinitis pigmentosa (RP). Identifiers: Orphanet 791, MedGen C0035334, MeSH D012174, MONDO:0019200, OMIM 268000. Inheritance: Autosomal dominant, autosomal recessive and X linked inheritance.

Allele frequency attached by ClinVar (database versions not stated): 1000 Genomes Project 0.00020; 1000 Genomes Project 30x 0.00031; ExAC 0.00057; gnomAD exomes 0.00071 and 0.00107; gnomAD 0.00098 and 0.00103; TOPMed 0.00115; ESP Exome Variant Server 0.00123.
gnomAD v4.1: 1,727 of 1,614,044 alleles (0.11%); highest among the groups gnomAD compares: Admixed American, 0.18%; 4 homozygotes.

Submissions (18):

CeGaT Center for Human Genetics Tuebingen
Classification: Likely benign. Last evaluated: 2026-08-01. Review status: criteria provided, single submitter. Criteria: CeGaT Center For Human Genetics Tuebingen Variant Classification Criteria Version 2. Collection method: clinical testing. Allele origin: germline. Affected: yes. Observed: 12 variant alleles.
Comment: USH2A: BP4, BP7

Labcorp Genetics (formerly Invitae), Labcorp
Classification: Likely benign. Last evaluated: 2026-01-28. Review status: criteria provided, single submitter. Criteria: Invitae Variant Classification Sherloc (09022015). Collection method: clinical testing. Allele origin: germline.

Women's Health and Genetics/Laboratory Corporation of America, LabCorp
Classification: Likely benign. Last evaluated: 2025-03-21. Review status: criteria provided, single submitter. Criteria: LabCorp Variant Classification Summary - May 2015. Collection method: clinical testing. Allele origin: germline.

Blueprint Genetics
Classification: Likely benign. Last evaluated: 2024-11-15. Review status: criteria provided, single submitter. Criteria: ACMG Guidelines, 2015. Collection method: clinical testing. Allele origin: germline.

Genome-Nilou Lab
Classification: Likely benign for Retinitis pigmentosa 39. Last evaluated: 2023-11-04. Review status: criteria provided, single submitter. Criteria: ACMG Guidelines, 2015. Collection method: clinical testing. Allele origin: germline. Affected: no.

Genome-Nilou Lab
Classification: Likely benign for Usher syndrome type 2A. Last evaluated: 2023-11-04. Review status: criteria provided, single submitter. Criteria: ACMG Guidelines, 2015. Collection method: clinical testing. Allele origin: germline. Affected: no.

ARUP Laboratories, Molecular Genetics and Genomics, ARUP Laboratories
Classification: Likely benign. Last evaluated: 2023-10-09. Review status: criteria provided, single submitter. Criteria: ARUP Molecular Germline Variant Investigation Process 2024. Collection method: clinical testing. Allele origin: germline.

Fulgent Genetics
Classification: Likely benign for Usher syndrome type 2A; Retinitis pigmentosa 39. Last evaluated: 2021-11-18. Review status: criteria provided, single submitter. Criteria: ACMG Guidelines, 2015. Collection method: clinical testing. Allele origin: unknown.

Illumina Laboratory Services, Illumina
Classification: Likely benign for Retinitis pigmentosa. Last evaluated: 2017-04-27. Review status: criteria provided, single submitter. Criteria: ICSL Variant Classification Criteria 13 December 2019. Collection method: clinical testing. Allele origin: germline.
Comment: This variant was observed as part of a predisposition screen in an ostensibly healthy population. A literature search was performed for the gene, cDNA change, and amino acid change (where applicable). Publications were found based on this search. The evidence from the literature, in combination with allele frequency data from public databases where available, was sufficient to determine this variant is unlikely to cause disease. Therefore, this variant is classified as likely benign.

Illumina Laboratory Services, Illumina
Classification: Likely benign for Usher syndrome type 2A. Last evaluated: 2017-04-27. Review status: criteria provided, single submitter. Criteria: ICSL Variant Classification Criteria 13 December 2019. Collection method: clinical testing. Allele origin: germline.
Comment: the same text as in the submission from Illumina Laboratory Services, Illumina above.

Eurofins Ntd Llc (ga)
Classification: Likely benign. Last evaluated: 2015-04-07. Review status: criteria provided, single submitter. Criteria: EGL Classification Definitions 2015. Collection method: clinical testing. Allele origin: germline. Observed: 6 variant alleles, 6 heterozygotes.

GeneDx
Classification: Benign. Last evaluated: 2015-03-03. Review status: criteria provided, single submitter. Criteria: GeneDx Variant Classification Process June 2021. Collection method: clinical testing. Allele origin: germline. Affected: yes.

Laboratory for Molecular Medicine, Mass General Brigham Personalized Medicine
Classification: Likely benign. Last evaluated: 2012-04-10. Review status: criteria provided, single submitter. Criteria: LMM Criteria. Collection method: clinical testing. Allele origin: germline. Observed: 5 variant alleles.
Comment: The His752His variant in USH2A: This variant is not expected to have clinical si gnificance because it does not alter an amino acid residue, is not located near a splice junction, and is commonly reported in cis with the pathogenic Cys759Phe variant (Rivolta 2002, Rivolta 2000, Aller 2004, Bernal 2005, Seyedahmadi 2004) . In addition, this variant has been identified in 0.2% (13/7020) of European Am erican chromosomes and 0.03% (1/3738) of African American chromosomes in a broad population by the NHLBI Exome sequencing project (EVS/; dbSNP rs111033281).

PreventionGenetics, part of Exact Sciences
Classification: Likely benign for USH2A-related condition. Last evaluated: 2020-05-06. Review status: no assertion criteria provided. Collection method: clinical testing. Allele origin: germline. Not counted in ClinVar's aggregate classification.
Comment: This variant is classified as likely benign based on ACMG/AMP sequence variant interpretation guidelines (Richards et al. 2015 PMID: 25741868, with internal and published modifications).

Natera, Inc.
Classification: Likely benign for Usher syndrome type 2A. Last evaluated: 2020-01-12. Review status: no assertion criteria provided. Collection method: clinical testing. Allele origin: germline. Not counted in ClinVar's aggregate classification.

Clinical Genetics DNA and cytogenetics Diagnostics Lab, Erasmus MC, Erasmus Medical Center
Classification: Likely benign. Review status: no assertion criteria provided. Collection method: clinical testing. Allele origin: germline. Affected: yes. Study: VKGL Data-share Consensus. Not counted in ClinVar's aggregate classification.

Clinical Genetics, Academic Medical Center
Classification: Likely benign. Review status: no assertion criteria provided. Collection method: clinical testing. Allele origin: germline. Affected: yes. Study: VKGL Data-share Consensus. Not counted in ClinVar's aggregate classification.

Joint Genome Diagnostic Labs from Nijmegen and Maastricht, Radboudumc and MUMC+
Classification: Likely benign. Review status: no assertion criteria provided. Collection method: clinical testing. Allele origin: germline. Affected: yes. Study: VKGL Data-share Consensus. Not counted in ClinVar's aggregate classification.

Literature cited by the submitters: PubMed 14970843 (cited by 3 submitters); PubMed 15325563 (cited by Illumina Laboratory Services, Illumina and Laboratory for Molecular Medicine, Mass General Brigham Personalized Medicine); PubMed 12427073 (cited by Illumina Laboratory Services, Illumina and Laboratory for Molecular Medicine, Mass General Brigham Personalized Medicine); PubMed 25823529 (cited by Illumina Laboratory Services, Illumina); PubMed 25649381 (cited by Illumina Laboratory Services, Illumina and Eurofins Ntd Llc (ga)); PubMed 10775529 (cited by Illumina Laboratory Services, Illumina and Laboratory for Molecular Medicine, Mass General Brigham Personalized Medicine); PubMed 22004887 (cited by Illumina Laboratory Services, Illumina and Eurofins Ntd Llc (ga)); PubMed 16098008 (cited by Illumina Laboratory Services, Illumina and Laboratory for Molecular Medicine, Mass General Brigham Personalized Medicine); PubMed 18273898 (cited by Illumina Laboratory Services, Illumina and Eurofins Ntd Llc (ga)).